The following is an entry in ClinVar:

ClinVar aggregate classification (germline): Benign/Likely benign. Review status: criteria provided, multiple submitters, no conflicts (2 of 4 stars). 6 submissions from 6 submitters: Benign (3); Likely benign (3). Last evaluated 2026-07-01.

Conditions:
ALG3-congenital disorder of glycosylation. Also called: ALG3-CDG; CONGENITAL DISORDER OF GLYCOSYLATION, TYPE Id; CARBOHYDRATE-DEFICIENT GLYCOPROTEIN SYNDROME, TYPE IV; CDGS, TYPE IV; CDG Id. Identifiers: Orphanet 79321, MedGen C1832736, MONDO:0010998, OMIM 601110.

Allele frequency attached by ClinVar (database versions not stated): 1000 Genomes Project 0.00739; 1000 Genomes Project 30x 0.00765; gnomAD 0.01102 and 0.01115; gnomAD exomes 0.01210 and 0.01750; ExAC 0.01221; TOPMed 0.01235; ESP Exome Variant Server 0.01312.

Submissions (33):

CeGaT Center for Human Genetics Tuebingen
Classification: Benign. Last evaluated: 2026-07-01. Review status: criteria provided, single submitter. Criteria: CeGaT Center For Human Genetics Tuebingen Variant Classification Criteria Version 2. Collection method: clinical testing. Allele origin: germline. Affected: yes. Observed: 18 variant alleles.
Comment: ALG3: BP4, BS1, BS2

Labcorp Genetics (formerly Invitae), Labcorp
Classification: Benign for ALG3-congenital disorder of glycosylation. Last evaluated: 2026-01-27. Review status: criteria provided, single submitter. Criteria: Invitae Variant Classification Sherloc (09022015). Collection method: clinical testing. Allele origin: germline.

Eurofins Ntd Llc (ga)
Classification: Likely benign. Last evaluated: 2018-08-20. Review status: criteria provided, single submitter. Criteria: EGL ClinVar v180209 classification definitions. Collection method: clinical testing. Allele origin: germline. Observed: 1 variant allele, 1 heterozygote.

Illumina Laboratory Services, Illumina
Classification: Likely benign for ALG3-congenital disorder of glycosylation. Last evaluated: 2018-01-13. Review status: criteria provided, single submitter. Criteria: ICSL Variant Classification Criteria 13 December 2019. Collection method: clinical testing. Allele origin: germline.
Comment: This variant was observed in the ICSL laboratory as part of a predisposition screen in an ostensibly healthy population. It had not been previously curated by ICSL or reported in the Human Gene Mutation Database (HGMD: prior to June 1st, 2018), and was therefore a candidate for classification through an automated scoring system. Utilizing variant allele frequency, disease prevalence and penetrance estimates, and inheritance mode, an automated score was calculated to assess if this variant is too frequent to cause the disease. Based on the score and internal cut-off values, a variant classified as likely benign is not then subjected to further curation. The score for this variant resulted in a classification of likely benign for this disease.

GeneDx
Classification: Benign. Last evaluated: 2016-03-11. Review status: criteria provided, single submitter. Criteria: GeneDx Variant Classification (06012015). Collection method: clinical testing. Allele origin: germline. Affected: yes.
Comment: This variant is considered likely benign or benign based on one or more of the following criteria: it is a conservative change, it occurs at a poorly conserved position in the protein, it is predicted to be benign by multiple in silico algorithms, and/or has population frequency not consistent with disease.

Breakthrough Genomics
Classification: Likely benign. Review status: criteria provided, single submitter. Criteria: ACMG Guidelines, 2015. Collection method: not provided. Allele origin: germline. Inheritance: Autosomal recessive inheritance. Affected: yes.

Dr. Peter K. Rogan Lab, Western University
No classification provided (evidence only). Condition: Clear cell carcinoma of kidney. Review status: no classification provided. Collection method: in vitro. Allele origin: not applicable. Functional consequence: retained intron. Not counted in ClinVar's aggregate classification.

Dr. Peter K. Rogan Lab, Western University
No classification provided (evidence only). Condition: Clear cell carcinoma of kidney. Review status: no classification provided. Collection method: in vitro. Allele origin: not applicable. Functional consequence: retained intron. Not counted in ClinVar's aggregate classification.

Dr. Peter K. Rogan Lab, Western University
No classification provided (evidence only). Condition: Clear cell carcinoma of kidney. Review status: no classification provided. Collection method: in vitro. Allele origin: not applicable. Functional consequence: retained intron. Not counted in ClinVar's aggregate classification.

Dr. Peter K. Rogan Lab, Western University
No classification provided (evidence only). Condition: Clear cell carcinoma of kidney. Review status: no classification provided. Collection method: in vitro. Allele origin: not applicable. Functional consequence: skipped exon. Not counted in ClinVar's aggregate classification.

Dr. Peter K. Rogan Lab, Western University
No classification provided (evidence only). Condition: Clear cell carcinoma of kidney. Review status: no classification provided. Collection method: in vitro. Allele origin: not applicable. Functional consequence: retained intron. Not counted in ClinVar's aggregate classification.

Dr. Peter K. Rogan Lab, Western University
No classification provided (evidence only). Condition: Lung cancer. Review status: no classification provided. Collection method: in vitro. Allele origin: not applicable. Functional consequence: retained intron. Not counted in ClinVar's aggregate classification.

Dr. Peter K. Rogan Lab, Western University
No classification provided (evidence only). Condition: Lung cancer. Review status: no classification provided. Collection method: in vitro. Allele origin: not applicable. Functional consequence: skipped exon. Not counted in ClinVar's aggregate classification.

Dr. Peter K. Rogan Lab, Western University
No classification provided (evidence only). Condition: Melanoma. Review status: no classification provided. Collection method: in vitro. Allele origin: not applicable. Functional consequence: skipped exon. Not counted in ClinVar's aggregate classification.

Dr. Peter K. Rogan Lab, Western University
No classification provided (evidence only). Condition: Melanoma. Review status: no classification provided. Collection method: in vitro. Allele origin: not applicable. Functional consequence: skipped exon. Not counted in ClinVar's aggregate classification.

Dr. Peter K. Rogan Lab, Western University
No classification provided (evidence only). Condition: Acute myeloid leukemia. Review status: no classification provided. Collection method: in vitro. Allele origin: not applicable. Functional consequence: retained intron. Not counted in ClinVar's aggregate classification.

Dr. Peter K. Rogan Lab, Western University
No classification provided (evidence only). Condition: Colon adenocarcinoma. Review status: no classification provided. Collection method: in vitro. Allele origin: not applicable. Functional consequence: skipped exon. Not counted in ClinVar's aggregate classification.

Dr. Peter K. Rogan Lab, Western University
No classification provided (evidence only). Condition: Colorectal cancer. Review status: no classification provided. Collection method: in vitro. Allele origin: not applicable. Functional consequence: retained intron. Not counted in ClinVar's aggregate classification.

Dr. Peter K. Rogan Lab, Western University
No classification provided (evidence only). Condition: Thyroid cancer, nonmedullary, 1. Review status: no classification provided. Collection method: in vitro. Allele origin: not applicable. Functional consequence: retained intron. Not counted in ClinVar's aggregate classification.

Dr. Peter K. Rogan Lab, Western University
No classification provided (evidence only). Condition: Cervical cancer. Review status: no classification provided. Collection method: in vitro. Allele origin: not applicable. Functional consequence: skipped exon. Not counted in ClinVar's aggregate classification.

Dr. Peter K. Rogan Lab, Western University
No classification provided (evidence only). Condition: Cervical cancer. Review status: no classification provided. Collection method: in vitro. Allele origin: not applicable. Functional consequence: retained intron. Not counted in ClinVar's aggregate classification.

Dr. Peter K. Rogan Lab, Western University
No classification provided (evidence only). Condition: Sarcoma. Review status: no classification provided. Collection method: in vitro. Allele origin: not applicable. Functional consequence: retained intron. Not counted in ClinVar's aggregate classification.

Dr. Peter K. Rogan Lab, Western University
No classification provided (evidence only). Condition: Sarcoma. Review status: no classification provided. Collection method: in vitro. Allele origin: not applicable. Functional consequence: retained intron. Not counted in ClinVar's aggregate classification.

Dr. Peter K. Rogan Lab, Western University
No classification provided (evidence only). Condition: Hepatocellular carcinoma. Review status: no classification provided. Collection method: in vitro. Allele origin: not applicable. Functional consequence: skipped exon. Not counted in ClinVar's aggregate classification.

Dr. Peter K. Rogan Lab, Western University
No classification provided (evidence only). Condition: Thymoma. Review status: no classification provided. Collection method: in vitro. Allele origin: not applicable. Functional consequence: retained intron. Not counted in ClinVar's aggregate classification.

Dr. Peter K. Rogan Lab, Western University
No classification provided (evidence only). Condition: Thymoma. Review status: no classification provided. Collection method: in vitro. Allele origin: not applicable. Functional consequence: retained intron. Not counted in ClinVar's aggregate classification.

Dr. Peter K. Rogan Lab, Western University
No classification provided (evidence only). Condition: Thymoma. Review status: no classification provided. Collection method: in vitro. Allele origin: not applicable. Functional consequence: retained intron. Not counted in ClinVar's aggregate classification.

Dr. Peter K. Rogan Lab, Western University
No classification provided (evidence only). Condition: Cholangiocarcinoma. Review status: no classification provided. Collection method: in vitro. Allele origin: not applicable. Functional consequence: retained intron. Not counted in ClinVar's aggregate classification.

Dr. Peter K. Rogan Lab, Western University
No classification provided (evidence only). Condition: Cholangiocarcinoma. Review status: no classification provided. Collection method: in vitro. Allele origin: not applicable. Functional consequence: retained intron. Not counted in ClinVar's aggregate classification.

Dr. Peter K. Rogan Lab, Western University
No classification provided (evidence only). Condition: Adrenocortical carcinoma, hereditary. Review status: no classification provided. Collection method: in vitro. Allele origin: not applicable. Functional consequence: retained intron. Not counted in ClinVar's aggregate classification.

Dr. Peter K. Rogan Lab, Western University
No classification provided (evidence only). Condition: Uveal melanoma. Review status: no classification provided. Collection method: in vitro. Allele origin: not applicable. Functional consequence: retained intron. Not counted in ClinVar's aggregate classification.

Dr. Peter K. Rogan Lab, Western University
No classification provided (evidence only). Condition: Malignant tumor of esophagus. Review status: no classification provided. Collection method: in vitro. Allele origin: not applicable. Functional consequence: skipped exon, retained intron. Not counted in ClinVar's aggregate classification.

Dr. Peter K. Rogan Lab, Western University
No classification provided (evidence only). Condition: Malignant tumor of esophagus. Review status: no classification provided. Collection method: in vitro. Allele origin: not applicable. Functional consequence: skipped exon. Not counted in ClinVar's aggregate classification.

NM_005787.6(ALG3):c.319A>G (p.Ile107Val)

Gene: ALG3 (ALG3 alpha-1,3- mannosyltransferase; minus strand). Cytogenetic location: 3q27.1.
Variant type: single nucleotide variant.
Coding change: c.319A>G on transcript NM_005787.6 (MANE Select); coding-DNA position 319, A replaced by G.
Protein change: p.Ile107Val; replaces isoleucine 107 with valine.
Molecular consequence: missense variant. On other transcripts: non-coding transcript variant (2).
Genome position (GRCh38, 1-based): chr3:184,245,593, T>C on the plus strand (A>G on the coding strand, the complement: ALG3 is on the minus strand). VCF-style: chr3-184245593-T-C. GRCh37 (hg19) VCF-style: chr3-183963381-T-C.
Other names: c.175A>G, p.Ile59Val (NM_001006941.2); short protein forms I107V, I59V.
Identifiers: ClinVar variation 344358 (VCV000344358.41), dbSNP rs2233463, ClinGen allele CA2729574.